The following is an entry in ClinVar:

NM_000455.5(STK11):c.735-10C>A

Gene: STK11 (serine/threonine kinase 11; plus strand). Cytogenetic location: 19p13.3.
Variant type: single nucleotide variant.
Coding change: c.735-10C>A on transcript NM_000455.5 (MANE Select); 10 bases into the intron before coding-DNA position 735, C replaced by A.
Molecular consequence: intron variant.
Genome position (GRCh38, 1-based): chr19:1,221,203, C>A. VCF-style: chr19-1221203-C-A. GRCh37 (hg19) VCF-style: chr19-1221202-C-A.
Identifiers: ClinVar variation 2138176 (VCV002138176.4), dbSNP rs553975112, ClinGen allele CA2580096103.
Genomic context (GRCh38, chr19:1,221,203, plus strand): 5'-AGAGCTGGGGCTCCTAGGGCGTCAACCACCTTGACTGACCACGCCTTTCTTCCCTCCCCT[C>A]GAAATGAAGCTACAACATCACCACGGGTCTGTACCCCTTCGAAGGGGACAACATCTACAA-3'

ClinVar aggregate classification (germline): Pathogenic (1 of 4 stars; one submission).

Conditions:
Peutz-Jeghers syndrome (PJS). Also called: POLYPOSIS, HAMARTOMATOUS INTESTINAL; POLYPS-AND-SPOTS SYNDROME; Peutz-Jeghers polyposis; Periorificial lentiginosis syndrome. Identifiers: Orphanet 2869, MedGen C0031269, MeSH D010580, MONDO:0008280, OMIM 175200.

Submission:

Labcorp Genetics (formerly Invitae), Labcorp
Classification: Pathogenic for Peutz-Jeghers syndrome. Last evaluated: 2022-01-02. Review status: criteria provided, single submitter. Criteria: Invitae Variant Classification Sherloc (09022015). Collection method: clinical testing. Allele origin: germline.
Comment: This sequence change falls in intron 5 of the STK11 gene. It does not directly change the encoded amino acid sequence of the STK11 protein. RNA analysis indicates that this variant induces altered splicing and may result in an absent or disrupted protein product. This variant is not present in population databases (gnomAD no frequency). For these reasons, this variant has been classified as Pathogenic. Studies have shown that this variant results in activation of a cryptic splice site and introduces a premature termination codon (PMID: 32573125). The resulting mRNA is expected to undergo nonsense-mediated decay. This variant is also known as IVS5-10C>A. This variant has been observed in individuals with clinical features of Peutz-Jeghers syndrome (PMID: 15188174, 23718779, 32573125; Invitae).

Literature cited by the submitters: PubMed 32573125; PubMed 15188174; PubMed 23718779.